The following is an entry in ClinVar:

NM_000127.3(EXT1):c.612del (p.Glu205fs)

Gene: EXT1 (exostosin glycosyltransferase 1; minus strand). Cytogenetic location: 8q24.11.
Variant type: Deletion.
Coding change: c.612del on transcript NM_000127.3 (MANE Select); coding-DNA position 612, one base deleted (C; older notation c.612delC).
Protein change: p.Glu205fs; shifts the reading frame from glutamic acid 205.
Molecular consequence: frameshift variant.
Genome position (GRCh38, 1-based): chr8:118,110,435, G deleted on the plus strand (C on the coding strand, the reverse complement: EXT1 is on the minus strand); the first of 2 consecutive G bases (chr8:118,110,435-118,110,436); deleting either gives the same sequence. VCF-style (leftmost placement, unchanged base first): chr8-118110434-CG-C. GRCh37 (hg19) VCF-style: chr8-119122673-CG-C.
Other names: short protein forms E205fs.
Identifiers: ClinVar variation 3654016 (VCV003654016.2).

ClinVar aggregate classification (germline): Pathogenic (1 of 4 stars; one submission).

Conditions:
Multiple congenital exostosis (EXT). Also called: Hereditary multiple osteochondromas; MULTIPLE CARTILAGINOUS EXOSTOSES; Hereditary multiple exostoses; Hereditary multiple exostosis; Multiple osteochondromas; Multiple exostoses. Identifiers: Orphanet 321, MedGen C0015306, MONDO:0005508, HP:0002762.

Submission:

Labcorp Genetics (formerly Invitae), Labcorp
Classification: Pathogenic for Multiple congenital exostosis. Last evaluated: 2024-05-21. Review status: criteria provided, single submitter. Criteria: Invitae Variant Classification Sherloc (09022015). Collection method: clinical testing. Allele origin: germline.
Comment: This sequence change creates a premature translational stop signal (p.Glu205Argfs*47) in the EXT1 gene. It is expected to result in an absent or disrupted protein product. Loss-of-function variants in EXT1 are known to be pathogenic (PMID: 10679937, 11391482, 19810120). This variant is not present in population databases (gnomAD no frequency). This variant has not been reported in the literature in individuals affected with EXT1-related conditions. Algorithms developed to predict the effect of sequence changes on RNA splicing suggest that this variant may create or strengthen a splice site. For these reasons, this variant has been classified as Pathogenic.

Literature cited by the submitters: PubMed 10679937; PubMed 11391482; PubMed 19810120.